The following is an entry in ClinVar:

NM_000376.3(VDR):c.1181_*670del (p.Asn394_Ter428delinsXaa)

Gene: VDR (vitamin D receptor; minus strand). Cytogenetic location: 12q13.11.
Variant type: Deletion.
Coding change: c.1181_*670del on transcript NM_000376.3 (MANE Select); coding-DNA position 1181 through 670 bases downstream of the stop codon, 774 bases deleted.
Protein change: p.Asn394_Ter428delinsXaa.
Molecular consequence: stop lost. On other transcripts: 3 prime UTR variant (1).
Genome position (GRCh38, 1-based): chr12:47,844,076-47,844,849, 774 bases deleted. GRCh37 (hg19): chr12:48,237,863-48,238,636.
Other names: c.1181_*670del, p.Asn394_Ter428delinsXaa (NM_001017535.2, NM_001374661.1, NM_001374662.1); c.1331_*670del, p.Asn444_Ter478delinsXaa (NM_001017536.2); c.1181_*469del (NM_001364085.2).
Identifiers: ClinVar variation 2697799 (VCV002697799.3), dbSNP rs2539963351, ClinGen allele CA2697559199.

ClinVar aggregate classification (germline): Pathogenic (1 of 4 stars; one submission).

Submission:

Labcorp Genetics (formerly Invitae), Labcorp
Classification: Pathogenic. Last evaluated: 2023-11-20. Review status: criteria provided, single submitter. Criteria: Invitae Variant Classification Sherloc (09022015). Collection method: clinical testing. Allele origin: germline.
Comment: This sequence change creates a premature translational stop signal (p.Asn394Thrfs*82) in the VDR gene. While this is not anticipated to result in nonsense mediated decay, it is expected to disrupt the last 34 amino acid(s) of the VDR protein. This variant is not present in population databases (gnomAD no frequency). This variant has not been reported in the literature in individuals affected with VDR-related conditions. This variant disrupts a region of the VDR protein in which other variant(s) (p.Gln400Leufs*7) have been determined to be pathogenic (PMID: 28377956). This suggests that this is a clinically significant region of the protein, and that variants that disrupt it are likely to be disease-causing. For these reasons, this variant has been classified as Pathogenic.

Literature cited by the submitters: PubMed 28377956.